The following is an entry in ClinVar:

ClinVar aggregate classification (germline): Pathogenic (1 of 4 stars; one submission).

Conditions:
Very long chain acyl-CoA dehydrogenase deficiency (ACADVLD). Also called: Very Long-Chain Acyl-Coenzyme A Dehydrogenase Deficiency; VLCAD Deficiency. Identifiers: Orphanet 26793, MedGen C3887523, MONDO:0008723, OMIM 201475.

Submission:

Natera, Inc.
Classification: Pathogenic for Very long chain acyl-CoA dehydrogenase deficiency. Last evaluated: 2024-09-04. Review status: criteria provided, single submitter. Criteria: Natera Variant Classification Schema (03/2026). Collection method: clinical testing. Allele origin: germline.
Comment: The c.1182+1G>C variant in ACADVL is a canonical splice donor site variant predicted to affect pre-mRNA splicing, which may result in an abnormal transcript and altered protein product. This variant is expected to result in nonsense mediated decay, truncation, or a dysfunctional protein product. This variant is rare in the general population with a frequency below the threshold expected for the associated phenotype(s). Another variant at this same site results in an alteration predicted to cause a similar molecular effect has been observed in individual(s) with the associated phenotype. Given the available evidence, this variant is classified as Pathogenic.

NM_000018.4(ACADVL):c.1182+1G>C

Gene: ACADVL (acyl-CoA dehydrogenase very long chain; plus strand). Cytogenetic location: 17p13.1.
Variant type: single nucleotide variant.
Coding change: c.1182+1G>C on transcript NM_000018.4 (MANE Select); the canonical splice donor site of the intron after coding-DNA position 1182, G replaced by C.
Molecular consequence: splice donor variant.
Genome position (GRCh38, 1-based): chr17:7,223,238, G>C. VCF-style: chr17-7223238-G-C. GRCh37 (hg19) VCF-style: chr17-7126557-G-C.
Other names: c.1251+1G>C (NM_001270447.2); c.954+1G>C (NM_001270448.2); c.1116+1G>C (NM_001033859.3).
Identifiers: ClinVar variation 4817240 (VCV004817240.1).